The following is an entry in ClinVar:

NM_000489.6(ATRX):c.995A>G (p.Asp332Gly)

Gene: ATRX (ATRX chromatin remodeler; minus strand). Cytogenetic location: Xq21.1.
Variant type: single nucleotide variant.
Coding change: c.995A>G on transcript NM_000489.6 (MANE Select); coding-DNA position 995, A replaced by G.
Protein change: p.Asp332Gly; replaces aspartic acid 332 with glycine.
Molecular consequence: missense variant.
Genome position (GRCh38, 1-based): chrX:77,684,261, T>C on the plus strand (A>G on the coding strand, the complement: ATRX is on the minus strand). VCF-style: chrX-77684261-T-C. GRCh37 (hg19) VCF-style: chrX-76939753-T-C.
Other names: c.881A>G, p.Asp294Gly (NM_138270.5); c.995A>G (NM_000489.3); short protein forms D294G, D332G.
Identifiers: ClinVar variation 3376498 (VCV003376498.3).
Genomic context (GRCh38, chrX:77,684,261, plus strand): 5'-ATCTCTTTGGGCACAATTAGTGCGGAATAAGAGTAGGTTACAGAGCCAGAACAGGAATCA[T>C]CTAATTTCTTTTCTTCTCCATTACAATTTGAACTAGTCTTCTTTGGAGAAAATCTGGATG-3'
Protein context (NP_000480.3, residues 322-342): SNCNGEEKKL[Asp332Gly]DSCSGSVTYS

ClinVar aggregate classification (germline): Uncertain significance. Review status: criteria provided, multiple submitters, no conflicts (2 of 4 stars). 2 submissions from 2 submitters: Uncertain significance (2). Last evaluated 2026-02-05.

Conditions:
Intellectual disability-hypotonic facies syndrome, X-linked, 1 (MRXHF1). Also called: XLMR-HYPOTONIC FACIES SYNDROME; X-linked intellectual disability-hypotonic face syndrome; HOLMES-GANG SYNDROME; Smith Fineman Myers syndrome 1; CHUDLEY-LOWRY SYNDROME; Chudley syndrome 1. Identifiers: Orphanet 73220, Orphanet 93970, Orphanet 93971, Orphanet 93972, Orphanet 93973, Orphanet 93974, Orphanet 93975, MedGen C4759781, MONDO:0010663, OMIM 309580.

gnomAD v4.1: 1 of 1,209,142 alleles (0.000083%); no homozygotes.

Submissions (2):

GeneDx
Classification: Uncertain significance. Last evaluated: 2026-02-05. Review status: criteria provided, single submitter. Criteria: GeneDx Variant Classification Process June 2021. Collection method: clinical testing. Allele origin: germline.
Comment: Not observed at significant frequency in large population cohorts (gnomAD); In silico analysis suggests that this missense variant does not alter protein structure/function; Has not been previously published as pathogenic or benign in association with an ATRX-related disorder to our knowledge; This variant is associated with the following publications: (PMID: 38015541)

Institute of Human Genetics, Clinical Exome/Genome Diagnostics Group, University Hospital Bonn
Classification: Uncertain significance for Intellectual disability-hypotonic facies syndrome, X-linked, 1. Last evaluated: 2024-10-10. Review status: criteria provided, single submitter. Criteria: ACMG Guidelines, 2015. Collection method: clinical testing. Allele origin: maternal.